The following is an entry in ClinVar:

NM_000059.4(BRCA2):c.317-1G>A

Gene: BRCA2 (BRCA2 DNA repair associated; plus strand). Cytogenetic location: 13q13.1.
Variant type: single nucleotide variant.
Coding change: c.317-1G>A on transcript NM_000059.4 (MANE Select); the canonical splice acceptor site of the intron before coding-DNA position 317, G replaced by A.
Molecular consequence: splice acceptor variant.
Genome position (GRCh38, 1-based): chr13:32,325,075, G>A. VCF-style: chr13-32325075-G-A. GRCh37 (hg19) VCF-style: chr13-32899212-G-A.
Other names: c.317-1G>A (NM_001432077.1, NM_001406720.1, NM_001406719.1 and 1 more transcripts); c.-53-1G>A (NM_001406722.1).
Identifiers: ClinVar variation 3730839 (VCV003730839.2).

ClinVar aggregate classification (germline): Uncertain significance (1 of 4 stars; one submission).

Conditions:
Hereditary breast ovarian cancer syndrome. Also called: Hereditary breast and ovarian cancer syndrome (HBOC); Hereditary breast and/or ovarian cancer syndrome; Hereditary breast and ovarian cancer syndrome; BRCA1- and BRCA2-Associated Hereditary Breast and Ovarian Cancer; Hereditary breast and ovarian cancer; Breast and ovarian cancer. Identifiers: Orphanet 145, MedGen C0677776, MeSH D061325, MONDO:0003582. Disease mechanism: loss of function.

Submission:

German Consortium for Hereditary Breast and Ovarian Cancer, University Hospital Cologne
Classification: Uncertain significance for Hereditary breast ovarian cancer syndrome. Last evaluated: 2025-01-14. Review status: criteria provided, single submitter. Criteria: ClinGen BRCA2 V1.1.0. Collection method: curation. Allele origin: germline.
Comment: According to the ClinGen ENIGMA BRCA2 v1.1.0 criteria we chose this criterion: PM2 (supporting pathogenic): absent from gnomAD